The following is an entry in ClinVar:

ClinVar aggregate classification (germline): Uncertain significance (1 of 4 stars; one submission).

Conditions:
Charcot-Marie-Tooth disease type 2R. Also called: Charcot-Marie-Tooth disease, axonal, type 2R; CHARCOT-MARIE-TOOTH DISEASE, AXONAL, AUTOSOMAL RECESSIVE, TYPE 2R; CHARCOT-MARIE-TOOTH NEUROPATHY, TYPE 2R. Identifiers: Orphanet 397968, MedGen C3809655, MONDO:0014208, OMIM 615490.

Allele frequency attached by ClinVar (database versions not stated): gnomAD 0.00001; TOPMed 0.00003.
gnomAD v4.1: 3 of 1,605,708 alleles (0.00019%); highest among the groups gnomAD compares: African/African-American, 0.0027%; no homozygotes.

Submission:

Labcorp Genetics (formerly Invitae), Labcorp
Classification: Uncertain significance for Charcot-Marie-Tooth disease type 2R. Last evaluated: 2024-08-19. Review status: criteria provided, single submitter. Criteria: Invitae Variant Classification Sherloc (09022015). Collection method: clinical testing. Allele origin: germline.
Comment: This sequence change replaces glutamic acid, which is acidic and polar, with glutamine, which is neutral and polar, at codon 485 of the TRIM2 protein (p.Glu485Gln). This variant is not present in population databases (gnomAD no frequency). This variant has not been reported in the literature in individuals affected with TRIM2-related conditions. ClinVar contains an entry for this variant (Variation ID: 2167030). An algorithm developed to predict the effect of missense changes on protein structure and function (PolyPhen-2) suggests that this variant is likely to be disruptive. In summary, the available evidence is currently insufficient to determine the role of this variant in disease. Therefore, it has been classified as a Variant of Uncertain Significance.

NM_015271.5(TRIM2):c.1534G>C (p.Glu512Gln)

Gene: TRIM2 (tripartite motif containing 2; plus strand). Cytogenetic location: 4q31.3.
Variant type: single nucleotide variant.
Coding change: c.1534G>C on transcript NM_015271.5 (MANE Select); coding-DNA position 1534, G replaced by C.
Protein change: p.Glu512Gln; replaces glutamic acid 512 with glutamine.
Molecular consequence: missense variant.
Genome position (GRCh38, 1-based): chr4:153,315,508, G>C. VCF-style: chr4-153315508-G-C. GRCh37 (hg19) VCF-style: chr4-154236660-G-C.
Other names: c.1453G>C, p.Glu485Gln (NM_001130067.2, NM_001351056.2, NM_001375512.1 and 5 more transcripts); c.1507G>C, p.Glu503Gln (NM_001351054.2); c.1504G>C, p.Glu502Gln (NM_001351055.2); c.1078G>C, p.Glu360Gln (NM_001351057.2); c.1627G>C, p.Glu543Gln (NM_001375488.1); c.1624G>C, p.Glu542Gln (NM_001375489.1); c.1477G>C, p.Glu493Gln (NM_001375490.1); c.1474G>C, p.Glu492Gln (NM_001375491.1); and 3 more; short protein forms E400Q, E502Q, E360Q, E485Q, E492Q, E503Q, E512Q, E399Q.
Identifiers: ClinVar variation 2167030 (VCV002167030.4), dbSNP rs945586851, ClinGen allele CA107890764.